The following is an entry in ClinVar:

ClinVar aggregate classification (germline): Uncertain significance (1 of 4 stars; one submission).

gnomAD v4.1: 4 of 1,613,894 alleles (0.00025%); highest among the groups gnomAD compares: South Asian, 0.0044%; no homozygotes.

Submission:

Ambry Genetics
Classification: Uncertain significance. Last evaluated: 2025-04-25. Review status: criteria provided, single submitter. Criteria: Ambry Variant Classification Scheme 2023. Collection method: clinical testing. Allele origin: germline.
Comment: The p.A295V variant (also known as c.884C>T), located in coding exon 1 of the TET2 gene, results from a C to T substitution at nucleotide position 884. The alanine at codon 295 is replaced by valine, an amino acid with similar properties. This amino acid position is conserved. In addition, this alteration is predicted to be tolerated by in silico analysis. Based on the available evidence, the clinical significance of this variant remains unclear.

NM_001127208.3(TET2):c.884C>T (p.Ala295Val)

Genes: TET2 (tet methylcytosine dioxygenase 2; plus strand), TET2-AS1 (TET2 antisense RNA 1; minus strand). Cytogenetic location: 4q24.
Variant type: single nucleotide variant.
Coding change: c.884C>T on transcript NM_001127208.3 (MANE Select); coding-DNA position 884, C replaced by T.
Protein change: p.Ala295Val; replaces alanine 295 with valine.
Molecular consequence: missense variant.
Genome position (GRCh38, 1-based): chr4:105,234,826, C>T. VCF-style: chr4-105234826-C-T. GRCh37 (hg19) VCF-style: chr4-106155983-C-T.
Other names: c.884C>T, p.Ala295Val (NM_017628.4); short protein forms A295V.
Identifiers: ClinVar variation 3967589 (VCV003967589.1).